The following is an entry in ClinVar:

ClinVar aggregate classification (germline): Pathogenic. Review status: criteria provided, multiple submitters, no conflicts (2 of 4 stars). 2 submissions from 2 submitters: Pathogenic (2). Last evaluated 2025-03-05.

Conditions:
Hajdu-Cheney syndrome (HJCYS). Also called: Acroosteolysis dominant type; ACROOSTEOLYSIS WITH OSTEOPOROSIS AND CHANGES IN SKULL AND MANDIBLE; SERPENTINE FIBULA-POLYCYSTIC KIDNEY SYNDROME. Identifiers: Orphanet 955, MedGen C0917715, MONDO:0007057, OMIM 102500.

Submissions (2):

Variantyx, Inc.
Classification: Pathogenic for Hajdu-Cheney syndrome. Last evaluated: 2025-03-05. Review status: criteria provided, single submitter. Criteria: Variantyx Assertion Criteria 2022. Collection method: clinical testing. Allele origin: de novo. Inheritance: Autosomal dominant inheritance.
Comment: This is a frameshift variant in the NOTCH2 gene (OMIM: 600275). Pathogenic variants in this gene have been associated with autosomal dominant Hajdu-Cheney syndrome. It lies within a known hotspot for pathogenic variants or a well-established critical functional domain of the NOTCH2 protein (PMID:¬†23401378) (PM1_Strong). Nonsense and frameshift variants in the last exon are predicted to result in a truncated NOTCH2 protein with gain of function effects (PMID: 23389697) (PM4). This variant has been reported in at least one affected individual (PMID: 34930662) (PS4_Moderate), while it is absent from control populations (PM2). Based on the current evidence, this variant is classified as pathogenic for autosomal dominant Hajdu-Cheney syndrome.

HudsonAlpha Institute for Biotechnology
Classification: Pathogenic for Hajdu-Cheney syndrome. Last evaluated: 2018-10-05. Review status: criteria provided, single submitter. Criteria: ACMG Guidelines, 2015. Collection method: research. Allele origin: unknown. Affected: yes. Observed: 1 variant allele. Study: CSER-SouthSeq.
Comment: ACMG codes: PVS1, PM2, PP4

Literature cited by the submitters: PubMed 34930662 (cited by Variantyx, Inc.).

NM_024408.4(NOTCH2):c.6909del (p.Ile2304fs)

Gene: NOTCH2 (notch receptor 2; minus strand). Cytogenetic location: 1p12.
Variant type: Deletion.
Coding change: c.6909del on transcript NM_024408.4 (MANE Select); coding-DNA position 6909, one base deleted (C; older notation c.6909delC).
Protein change: p.Ile2304fs; shifts the reading frame from isoleucine 2304.
Molecular consequence: frameshift variant.
Genome position (GRCh38, 1-based): chr1:119,915,813, G deleted on the plus strand (C on the coding strand, the reverse complement: NOTCH2 is on the minus strand); the first of 6 consecutive G bases (chr1:119,915,813-119,915,818); deleting any one gives the same sequence. VCF-style (leftmost placement, unchanged base first): chr1-119915812-TG-T. GRCh37 (hg19) VCF-style: chr1-120458435-TG-T.
Other names: short protein forms I2304fs.
Identifiers: ClinVar variation 623649 (VCV000623649.2), dbSNP rs771237928, ClinGen allele CA420189721.
Genomic context (GRCh38, chr1:119,915,812, plus strand): 5'-GCTGGGGAGCCCCCGCTGGTTGGGCAATACTGCCTTTAGGGATGAGCTGGAAAGTCACAA[TG>T]GGGGGCAAGGGCTCCCGAGGGGTGGTTATGTGCTTCCCTTCAGGTGGCCTGCTCTGGGGA-3'